The following is an entry in ClinVar:

NM_003072.5(SMARCA4):c.4784T>A (p.Val1595Glu)

Gene: SMARCA4 (SWI/SNF related BAF chromatin remodeling complex subunit ATPase 4; plus strand). Cytogenetic location: 19p13.2.
Variant type: single nucleotide variant.
Coding change: c.4784T>A on transcript NM_003072.5 (MANE Select); coding-DNA position 4784, T replaced by A.
Protein change: p.Val1595Glu; replaces valine 1595 with glutamic acid.
Molecular consequence: missense variant. On other transcripts: non-coding transcript variant (1).
Genome position (GRCh38, 1-based): chr19:11,060,060, T>A. VCF-style: chr19-11060060-T-A. GRCh37 (hg19) VCF-style: chr19-11170736-T-A.
Other names: c.4784T>A, p.Val1595Glu (NM_001128844.3); c.4694T>A, p.Val1565Glu (NM_001128845.2); c.4691T>A, p.Val1564Glu (NM_001128846.2); c.4685T>A, p.Val1562Glu (NM_001128847.4, NM_001374457.1); c.4682T>A, p.Val1561Glu (NM_001128848.2); c.4880T>A, p.Val1627Glu (NM_001128849.3); short protein forms V1561E, V1562E, V1564E, V1595E, V1565E, V1627E.
Identifiers: ClinVar variation 825256 (VCV000825256.4), dbSNP rs1600647899, ClinGen allele CA404080295.

ClinVar aggregate classification (germline): Uncertain significance (1 of 4 stars; one submission).

Conditions:
Hereditary cancer-predisposing syndrome. Also called: Neoplastic Syndromes, Hereditary; Tumor predisposition; Hereditary neoplastic syndrome; Hereditary Cancer Syndrome. Identifiers: Orphanet 140162, MedGen C0027672, MeSH D009386, MONDO:0015356.

Submission:

Ambry Genetics
Classification: Uncertain significance for Hereditary cancer-predisposing syndrome. Last evaluated: 2018-06-04. Review status: criteria provided, single submitter. Criteria: Ambry Variant Classification Scheme 2023. Collection method: clinical testing. Allele origin: germline.
Comment: The p.V1627E variant (also known as c.4880T>A), located in coding exon 34 of the SMARCA4 gene, results from a T to A substitution at nucleotide position 4880. The valine at codon 1627 is replaced by glutamic acid, an amino acid with dissimilar properties. This amino acid position is highly conserved in available vertebrate species. In addition, the in silico prediction for this alteration is inconclusive. Since supporting evidence is limited at this time, the clinical significance of this alteration remains unclear.